The following is an entry in ClinVar:

ClinVar aggregate classification (germline): Uncertain significance. Review status: criteria provided, multiple submitters, no conflicts (2 of 4 stars). 2 submissions from 2 submitters: Uncertain significance (2). Last evaluated 2026-01-07.

Conditions:
CACNA1F-related disorder. Also called: CACNA1F-related condition.

Allele frequency attached by ClinVar (database versions not stated): gnomAD exomes below 0.00001; TOPMed 0.00002; ExAC 0.00004.
gnomAD v4.1: 4 of 1,189,519 alleles (0.00034%); highest among the groups gnomAD compares: East Asian, 0.012%; no homozygotes.

Submissions (2):

PreventionGenetics, part of Exact Sciences
Classification: Uncertain significance for CACNA1F-related condition. Last evaluated: 2026-01-07. Review status: criteria provided, single submitter. Criteria: ACMG Guidelines, 2015. Collection method: clinical testing. Allele origin: germline.
Comment: The CACNA1F c.1464G>T variant is predicted to result in the amino acid substitution p.Glu488Asp. This variant has been reported in the hemizygous state in an individual with cone-rod dystrophy (Table S5, Huang et al. 2015. PubMed ID: 25356976). This variant is reported in 0.027% of alleles in individuals of East Asian descent in gnomAD. At this time, the clinical significance of this variant is uncertain due to the absence of conclusive functional and genetic evidence.

Labcorp Genetics (formerly Invitae), Labcorp
Classification: Uncertain significance. Last evaluated: 2024-01-14. Review status: criteria provided, single submitter. Criteria: Invitae Variant Classification Sherloc (09022015). Collection method: clinical testing. Allele origin: germline.
Comment: This sequence change replaces glutamic acid, which is acidic and polar, with aspartic acid, which is acidic and polar, at codon 488 of the CACNA1F protein (p.Glu488Asp). The frequency data for this variant in the population databases is considered unreliable, as metrics indicate poor data quality at this position in the gnomAD database. This missense change has been observed in individual(s) with cone-rod dystrophy (PMID: 25356976). An algorithm developed to predict the effect of missense changes on protein structure and function (PolyPhen-2) suggests that this variant is likely to be tolerated. In summary, the available evidence is currently insufficient to determine the role of this variant in disease. Therefore, it has been classified as a Variant of Uncertain Significance.

Literature cited by the submitters: PubMed 25356976 (cited by Labcorp Genetics (formerly Invitae), Labcorp).

NM_001256789.3(CACNA1F):c.1431G>T (p.Glu477Asp)

Gene: CACNA1F (calcium voltage-gated channel subunit alpha1 F; minus strand). Cytogenetic location: Xp11.23.
Variant type: single nucleotide variant.
Coding change: c.1431G>T on transcript NM_001256789.3 (MANE Select); coding-DNA position 1431, G replaced by T.
Protein change: p.Glu477Asp; replaces glutamic acid 477 with aspartic acid.
Molecular consequence: missense variant.
Genome position (GRCh38, 1-based): chrX:49,226,441, C>A on the plus strand (G>T on the coding strand, the complement: CACNA1F is on the minus strand). VCF-style: chrX-49226441-C-A. GRCh37 (hg19) VCF-style: chrX-49082903-C-A.
Other names: c.1464G>T (NM_005183.3); c.1269G>T, p.Glu423Asp (NM_001256790.3); c.1464G>T, p.Glu488Asp (NM_005183.4); short protein forms E488D, E423D, E477D.
Identifiers: ClinVar variation 2737226 (VCV002737226.4), dbSNP rs782501197, ClinGen allele CA10410875.
Genomic context (GRCh38, chrX:49,226,441, plus strand): 5'-GGCTGGGTCAGGGGCTGGGGGCCCTCACAGGCAGCGTGTACAGCTGGCCAGAGCCCCCTC[C>A]TCCTCATCCTCATCGCCTTGGGTCTCTGTCATGGAACCGGTGTCACTGGCTGGGAGGCTG-3'
Protein context (NP_001243718.1, residues 467-487): MTETQGDEDE[Glu477Asp]EGALASCTRC